The following is an entry in ClinVar:

NM_006206.6(PDGFRA):c.1355A>G (p.Asp452Gly)

Gene: PDGFRA (platelet derived growth factor receptor alpha; plus strand). Cytogenetic location: 4q12.
Variant type: single nucleotide variant.
Coding change: c.1355A>G on transcript NM_006206.6 (MANE Select); coding-DNA position 1355, A replaced by G.
Protein change: p.Asp452Gly; replaces aspartic acid 452 with glycine.
Molecular consequence: missense variant.
Genome position (GRCh38, 1-based): chr4:54,272,511, A>G. VCF-style: chr4-54272511-A-G. GRCh37 (hg19) VCF-style: chr4-55138678-A-G.
Other names: c.1355A>G, p.Asp452Gly (NM_001347827.2, NM_001347829.2); c.1430A>G, p.Asp477Gly (NM_001347828.2); c.1394A>G, p.Asp465Gly (NM_001347830.2); short protein forms D477G, D452G, D465G.
Identifiers: ClinVar variation 4843861 (VCV004843861.1).
Genomic context (GRCh38, chr4:54,272,511, plus strand): 5'-CGGTGAGGTGCACAGCTGAAGGCACGCCGCTTCCTGATATTGAGTGGATGATATGCAAAG[A>G]TATTAAGAAGTATGGAAAACAGATGTGTCTTCTTCTTTCGTGGTCAGAATATTTCTCCCT-3'
Protein context (NP_006197.1, residues 442-462): LPDIEWMICK[Asp452Gly]IKKCNNETSW

ClinVar aggregate classification (germline): Uncertain significance (1 of 4 stars; one submission).

Conditions:
Hereditary cancer-predisposing syndrome. Also called: Neoplastic Syndromes, Hereditary; Tumor predisposition; Hereditary Cancer Syndrome; Hereditary neoplastic syndrome. Identifiers: Orphanet 140162, MedGen C0027672, MeSH D009386, MONDO:0015356.

Submission:

Ambry Genetics
Classification: Uncertain significance for Hereditary cancer-predisposing syndrome. Last evaluated: 2026-01-02. Review status: criteria provided, single submitter. Criteria: Ambry Variant Classification Scheme 2023. Collection method: clinical testing. Allele origin: germline.
Comment: The p.D452G variant (also known as c.1355A>G), located in coding exon 8 of the PDGFRA gene, results from an A to G substitution at nucleotide position 1355. The aspartic acid at codon 452 is replaced by glycine, an amino acid with similar properties. This amino acid position is well conserved in available vertebrate species. In addition, the in silico prediction for this alteration is inconclusive. Based on the available evidence, the clinical significance of this variant remains unclear.